The following is an entry in ClinVar:

GRCh37/hg19 1p36.31(chr1:5505039-7027995)x1

Genes: ACOT7 (acyl-CoA thioesterase 7; minus strand), CAMTA1 (calmodulin binding transcription activator 1; plus strand), CHD5 (chromodomain helicase DNA binding protein 5; minus strand), DNAJC11 (DnaJ heat shock protein family (Hsp40) member C11; minus strand), ESPN (espin; plus strand) and 16 more. Cytogenetic location: 1p36.31.
Variant type: copy number loss.
Change: copy number 1 (one copy instead of two) of chr1:5,505,039-7,027,995 (1.52 Mb, GRCh37 coordinates, 1-based), cytogenetic band 1p36.31.
Identifiers: ClinVar variation 1808536 (VCV001808536.1).

ClinVar aggregate classification (germline): Pathogenic (1 of 4 stars; one submission).

Submission:

Quest Diagnostics Nichols Institute San Juan Capistrano
Classification: Pathogenic. Last evaluated: 2022-03-11. Review status: criteria provided, single submitter. Criteria: ACMG/ClinGen CNV Guidelines, 2019. Collection method: clinical testing. Allele origin: unknown.
Comment: The copy number loss of 1p36.31 involves multiple protein-coding genes, including multiple exons (NM_015215.4) of the 5' portion of CAMTA1 (OMIM 611501). It is not clear whether expression of CAMTA 1has been disrupted by this partial loss. Haploinsufficiency of CAMTA1is associated with autosomal dominant cerebellar dysfunction withv ariable cognitive and behavioral abnormalities (CECBA) (OMIM 614756), which is a neurologic disorder with significant phenotypic heterogeneity which may include global developmental delay of motor and language skills, mild intellectual disability, and behavioral andpsychiatric abnormalities such as autism and obsessive-compulsive disorder. Copy number losses similar to or smaller than the current interval have been reported in patients with phenotypes including global developmental delay, speech problems, learning disability, pervasive developmental disorder, ADHD, ataxic gait, and heart anomalies, all of which are neurobehavioral features observed in thec hromosome 1p36 deletion syndrome (OMIM 607872) (Mikhail 2011, Shim 2020, Thevenon 2012). There are no similar copy number losses of this region in the general populations of the Database of Genomic Variants. Thus, the clinical significance of this copy number variant (CNV) is pathogenic. References Mikhail et al., Am J Med Genet A. 2011 Oct;155A(10):2386-96. PMID:22031302. Shim et al., Annals of Child Neuro. 2020 Aug;28(4):131-137. Thevenon et al., J Med Genet. 2012 Jun;49(6):400-8. PMID: 22693284.